The following is an entry in ClinVar:

ClinVar aggregate classification (germline): Pathogenic (1 of 4 stars; one submission).

Conditions:
Familial adenomatous polyposis 1 (FAP1). Also called: POLYPOSIS, ADENOMATOUS INTESTINAL; FAMILIAL ADENOMATOUS POLYPOSIS 1, ATTENUATED. Identifiers: MedGen C2713442, MONDO:0021056, OMIM 175100. Disease mechanism: loss of function.

Submission:

Labcorp Genetics (formerly Invitae), Labcorp
Classification: Pathogenic for Familial adenomatous polyposis 1. Last evaluated: 2021-07-30. Review status: criteria provided, single submitter. Criteria: Invitae Variant Classification Sherloc (09022015). Collection method: clinical testing. Allele origin: germline.
Comment: For these reasons, this variant has been classified as Pathogenic. This variant disrupts a region of the APC protein in which other variant(s) (p.Tyr2645Lysfs*14) have been determined to be pathogenic (PMID: 1316610, 9824584, 27081525). This suggests that this is a clinically significant region of the protein, and that variants that disrupt it are likely to be disease-causing. This variant has not been reported in the literature in individuals affected with APC-related conditions. This variant is not present in population databases (ExAC no frequency). This sequence change creates a premature translational stop signal (p.Ser751Phefs*10) in the APC gene. While this is not anticipated to result in nonsense mediated decay, it is expected to disrupt the last 2093 amino acid(s) of the APC protein.

Literature cited by the submitters: PubMed 1316610; PubMed 9824584; PubMed 27081525.

NM_000038.6(APC):c.2252del (p.Ser751fs)

Gene: APC (APC regulator of Wnt signaling pathway; plus strand). Cytogenetic location: 5q22.2.
Variant type: Deletion.
Coding change: c.2252del on transcript NM_000038.6 (MANE Select); coding-DNA position 2252, one base deleted (C; older notation c.2252delC).
Protein change: p.Ser751fs; shifts the reading frame from serine 751.
Molecular consequence: frameshift variant.
Genome position (GRCh38, 1-based): chr5:112,837,846, C deleted. VCF-style (leftmost placement, unchanged base first): chr5-112837845-TC-T. GRCh37 (hg19) VCF-style: chr5-112173542-TC-T.
Other names: c.2252del, p.Ser751fs (NM_001127510.3, NM_001354895.2); c.2198del, p.Ser733fs (NM_001127511.3); c.2306del, p.Ser769fs (NM_001354896.2); c.2282del, p.Ser761fs (NM_001354897.2); c.2177del, p.Ser726fs (NM_001354898.2); c.2168del, p.Ser723fs (NM_001354899.2); c.2129del, p.Ser710fs (NM_001354900.2); c.2075del, p.Ser692fs (NM_001354901.2); and 5 more; short protein forms S468fs, S591fs, S723fs, S751fs, S761fs, S660fs, S625fs, S692fs.
Identifiers: ClinVar variation 1422376 (VCV001422376.6), dbSNP rs2149864552, ClinGen allele CA2573138922.